The following is an entry in ClinVar:

ClinVar aggregate classification (germline): Uncertain significance (1 of 4 stars; one submission).

Allele frequency attached by ClinVar (database versions not stated): gnomAD 0.00001.
gnomAD v4.1: 1 of 695,330 alleles (0.00014%); highest among the groups gnomAD compares: African/African-American, 0.0018%; no homozygotes.

Submission:

Labcorp Genetics (formerly Invitae), Labcorp
Classification: Uncertain significance. Last evaluated: 2023-01-26. Review status: criteria provided, single submitter. Criteria: Invitae Variant Classification Sherloc (09022015). Collection method: clinical testing. Allele origin: germline.
Comment: This variant is not present in population databases (gnomAD no frequency). This sequence change replaces tryptophan, which is neutral and slightly polar, with leucine, which is neutral and non-polar, at codon 380 of the GABRA2 protein (p.Trp380Leu). This variant has not been reported in the literature in individuals affected with GABRA2-related conditions. An algorithm developed to predict the effect of missense changes on protein structure and function (PolyPhen-2) suggests that this variant is likely to be tolerated. In summary, the available evidence is currently insufficient to determine the role of this variant in disease. Therefore, it has been classified as a Variant of Uncertain Significance.

NM_000807.4(GABRA2):c.1059+5631G>T

Gene: GABRA2 (gamma-aminobutyric acid type A receptor subunit alpha2; minus strand). Cytogenetic location: 4p12.
Variant type: single nucleotide variant.
Coding change: c.1059+5631G>T on transcript NM_000807.4 (MANE Select); 5631 bases into the intron after coding-DNA position 1059, G replaced by T.
Molecular consequence: intron variant. On other transcripts: missense variant (4).
Genome position (GRCh38, 1-based): chr4:46,256,295, C>A on the plus strand (G>T on the coding strand, the complement: GABRA2 is on the minus strand). VCF-style: chr4-46256295-C-A. GRCh37 (hg19) VCF-style: chr4-46258312-C-A.
Other names: c.894+5631G>T (NM_001377152.1, NM_001377153.1, NM_001377154.1); c.1059+5631G>T (NM_001377150.1, NM_001377147.1, NM_001377148.1 and 4 more transcripts); c.974G>T, p.Trp325Leu (NM_001286827.3); c.1139G>T, p.Trp380Leu (NM_001330690.2, NM_001377144.1, NM_001377145.1); short protein forms W325L, W380L.
Identifiers: ClinVar variation 2870292 (VCV002870292.3), dbSNP rs1430055597, ClinGen allele CA356803611.